The following is an entry in ClinVar:

ClinVar aggregate classification (germline): Likely benign (1 of 4 stars; one submission).

Submission:

GeneDx
Classification: Likely benign. Last evaluated: 2016-11-23. Review status: criteria provided, single submitter. Criteria: GeneDx Variant Classification (06012015). Collection method: clinical testing. Allele origin: germline. Affected: yes.
Comment: This variant is considered likely benign or benign based on one or more of the following criteria: it is a conservative change, it occurs at a poorly conserved position in the protein, it is predicted to be benign by multiple in silico algorithms, and/or has population frequency not consistent with disease.

NM_001128159.3(VPS53):c.69G>T (p.Val23=)

Gene: VPS53 (VPS53 subunit of GARP complex; minus strand). Cytogenetic location: 17p13.3.
Variant type: single nucleotide variant.
Coding change: c.69G>T on transcript NM_001128159.3 (MANE Select); coding-DNA position 69, G replaced by T.
Protein change: p.Val23=; no amino-acid change (valine 23 retained).
Molecular consequence: synonymous variant. On other transcripts: 5 prime UTR variant (1).
Genome position (GRCh38, 1-based): chr17:714,641, C>A on the plus strand (G>T on the coding strand, the complement: VPS53 is on the minus strand). VCF-style: chr17-714641-C-A. GRCh37 (hg19) VCF-style: chr17-617881-C-A.
Other names: c.69G>T, p.Val23= (NM_001366253.2, NM_018289.4); c.-624G>T (NM_001366254.2).
Identifiers: ClinVar variation 390848 (VCV000390848.1), dbSNP rs753398021, ClinGen allele CA16607831.